The following is an entry in ClinVar:

ClinVar aggregate classification (germline): Pathogenic/Likely pathogenic. Review status: criteria provided, multiple submitters, no conflicts (2 of 4 stars). 2 submissions from 2 submitters: Pathogenic (1); Likely pathogenic (1). Last evaluated 2024-10-10.

Conditions:
Poirier-Bienvenu neurodevelopmental syndrome (POBINDS). Identifiers: Orphanet 689397, MedGen C5231482, MONDO:0032889, OMIM 618732.

Submissions (2):

Pediatrics, Henan Provincial People's Hospital
Classification: Pathogenic for Poirier-Bienvenu neurodevelopmental syndrome. Last evaluated: 2024-10-10. Review status: criteria provided, single submitter. Criteria: ACMG Guidelines, 2015. Collection method: clinical testing. Allele origin: de novo. Affected: yes. Observed: 1 variant allele.

Pittsburgh Clinical Genomics Laboratory, University of Pittsburgh Medical Center
Classification: Likely pathogenic for Poirier-Bienvenu neurodevelopmental syndrome. Last evaluated: 2024-02-01. Review status: criteria provided, single submitter. Criteria: ACMG Guidelines, 2015. Collection method: clinical testing. Allele origin: germline. Inheritance: Autosomal dominant inheritance. Affected: yes.
Comment: This sequence variant is a single nucleotide substitution (G>A) at the +1 position past the end of exon 4 in the intron 4 canonical splice site of the CSNK2B gene. This variant is absent from ClinVar and the gnomAD v4.0.0 population database (0 of approximately 1,400,000 alleles). To our knowledge, this variant has not been observed in an individual affected by a CSNK2B-related disorder in the published literature. In silico splice predictors indicate that this variant will disrupt the CSNK2B intron 4 canonical splice site, which would likely lead to a frameshift and the introduction of a premature stop codon. The G nucleotide at this position is strongly conserved across the vertebrates examined. Studies examining the functional consequence of this variant have not been published to our knowledge. Based on this information, we consider this a likely pathogenic variant. ACMG Criteria: PM2, PVS1

NM_001320.7(CSNK2B):c.291+1G>A

Gene: CSNK2B (casein kinase 2 beta; plus strand). Cytogenetic location: 6p21.33.
Variant type: single nucleotide variant.
Coding change: c.291+1G>A on transcript NM_001320.7 (MANE Select); the canonical splice donor site of the intron after coding-DNA position 291, G replaced by A.
Molecular consequence: splice donor variant.
Genome position (GRCh38, 1-based): chr6:31,668,655, G>A. VCF-style: chr6-31668655-G-A. GRCh37 (hg19) VCF-style: chr6-31636432-G-A.
Other names: c.291+1G>A (NM_001282385.2).
Identifiers: ClinVar variation 3376371 (VCV003376371.2).